The following is an entry in ClinVar:

NM_001257180.2(SLC20A2):c.1933A>G (p.Met645Val)

Gene: SLC20A2 (solute carrier family 20 member 2; minus strand). Cytogenetic location: 8p11.21.
Variant type: single nucleotide variant.
Coding change: c.1933A>G on transcript NM_001257180.2 (MANE Select); coding-DNA position 1933, A replaced by G.
Protein change: p.Met645Val; replaces methionine 645 with valine.
Molecular consequence: missense variant.
Genome position (GRCh38, 1-based): chr8:42,417,829, T>C on the plus strand (A>G on the coding strand, the complement: SLC20A2 is on the minus strand). VCF-style: chr8-42417829-T-C. GRCh37 (hg19) VCF-style: chr8-42275347-T-C.
Other names: c.1933A>G, p.Met645Val (NM_001257181.2, NM_006749.5); short protein forms M645V.
Identifiers: ClinVar variation 1805858 (VCV001805858.1), dbSNP rs2486940963, ClinGen allele CA371094027.
Genomic context (GRCh38, chr8:42,417,829, plus strand): 5'-TCCCTTTAGCTGTTTGCAGCTGGAAGAAGACAAATCACACATATGGAAGGATCCCATACA[T>C]GAGAAGAGCCATGACAGCAGCGCTGAACAGCCCAGCCACAGGGACGGTCACGAACCAGGC-3'
Protein context (NP_001244109.1, residues 635-652): LFSAAVMALL[Met645Val]YGILPYV

ClinVar aggregate classification (germline): Uncertain significance (1 of 4 stars; one submission).

Conditions:
Idiopathic basal ganglia calcification 1 (PFBC1A). Also called: Fahr's syndrome; Familial Idiopathic Basal Ganglia Calcification 2; Cerebral calcification nonarteriosclerotic idiopathic adult-onset; Striopallidodentate calcinosis autosomal dominant adult-onset; Ferrocalcinosis, cerebrovascular; Fahr disease, familial (formerly). Identifiers: Orphanet 1980, MedGen C4551624, MONDO:0024538, OMIM 213600.

Allele frequency attached by ClinVar (database versions not stated): gnomAD exomes below 0.00001.
gnomAD v4.1: 4 of 1,613,868 alleles (0.00025%); highest among the groups gnomAD compares: Non-Finnish European, 0.00034%; no homozygotes.

Submission:

Victorian Clinical Genetics Services, Murdoch Childrens Research Institute
Classification: Uncertain significance for Idiopathic basal ganglia calcification 1. Last evaluated: 2021-05-06. Review status: criteria provided, single submitter. Criteria: ACMG Guidelines, 2015. Collection method: clinical testing. Allele origin: germline. Inheritance: Autosomal dominant inheritance.
Comment: Based on the classification scheme VCGS_Germline_v1.3.4, this variant is classified as VUS-3C. Following criteria are met: 0103 - Dominant negative and loss of function are known mechanisms of disease in this gene and are associated with idiopathic basal ganglia calcification (MIM#1213600). Missense variants have demonstrated a dominant negative effect on protein function (PMID: 27943094), while both missense variants and variants resulting in a premature termination codon have been reported with a loss of function effect (PMID: 24209445, OMIM). (I) 0107 - This gene is associated with autosomal dominant disease. (I) 0200 - Variant is predicted to result in a missense amino acid change from methionine to valine. (I) 0251 - This variant is heterozygous. (I) 0301 - Variant is absent from gnomAD (both v2 and v3). (SP) 0309 - An alternative amino acid change at the same position has been observed in gnomAD (v2) (123 heterozygotes, 3 homozygotes). (I) 0503 - Missense variant consistently predicted to be tolerated by multiple in silico tools or not conserved in placental mammals with a minor amino acid change. (SB) 0604 - Variant is not located in an established domain, motif, hotspot or informative constraint region. (I) 0709 - Another missense variant comparable to the one identified in this case has low previous evidence for being benign. This alternative missense variant (p.Met645Lys) has been reported as benign (ClinVar). (SB) 0807 - This variant has no previous evidence of pathogenicity. (I) 0905 - No published segregation evidence has been identified for this variant. (I) 1007 - No published functional evidence has been identified for this variant. (I) 1208 - Inheritance information for this variant is not currently available in this individual. (I) Legend: (SP) - Supporting pathogenic, (I) - Information, (SB) - Supporting benign

Literature cited by the submitters: PubMed 24209445; PubMed 27943094.